The following is an entry in ClinVar:

NM_001289104.2(PRKCSH):c.841C>T (p.Arg281Trp)

Gene: PRKCSH (PRKCSH beta subunit of glucosidase II; plus strand). Cytogenetic location: 19p13.2.
Variant type: single nucleotide variant.
Coding change: c.841C>T on transcript NM_001289104.2 (MANE Select); coding-DNA position 841, C replaced by T.
Protein change: p.Arg281Trp; replaces arginine 281 with tryptophan.
Molecular consequence: missense variant.
Genome position (GRCh38, 1-based): chr19:11,447,152, C>T. VCF-style: chr19-11447152-C-T. GRCh37 (hg19) VCF-style: chr19-11557967-C-T.
Other names: c.841C>T, p.Arg281Trp (NM_001001329.3, NM_001289102.2, NM_001289103.2 and 3 more transcripts); c.841C>T (NM_002743.2); short protein forms R281W.
Identifiers: ClinVar variation 1255532 (VCV001255532.11), dbSNP rs746231889, ClinGen allele CA9213015.

ClinVar aggregate classification (germline): Uncertain significance. Review status: criteria provided, multiple submitters, no conflicts (2 of 4 stars). 5 submissions from 5 submitters: Uncertain significance (4). 1 of the submissions does not count toward it. Last evaluated 2026-01-06.

Conditions:
Polycystic liver disease 1 (PCLD1). Also called: Polycystic liver disease 1 with or without kidney cysts. Identifiers: Orphanet 2924, MedGen C0887850, MONDO:0008265, OMIM 174050.
Autosomal dominant polycystic liver disease. Also called: Congenital cystic disease of liver; Polycystic liver disease. Identifiers: Orphanet 2924, MedGen C0158683, MONDO:0000447, HP:0006557.

Allele frequency attached by ClinVar (database versions not stated): gnomAD 0.00021 and 0.00022.
gnomAD v4.1: 121 of 1,613,806 alleles (0.0075%); highest among the groups gnomAD compares: Admixed American, 0.09%; no homozygotes.

Submissions (5):

Labcorp Genetics (formerly Invitae), Labcorp
Classification: Uncertain significance. Last evaluated: 2026-01-06. Review status: criteria provided, single submitter. Criteria: Invitae Variant Classification Sherloc (09022015). Collection method: clinical testing. Allele origin: germline.
Comment: This sequence change replaces arginine, which is basic and polar, with tryptophan, which is neutral and slightly polar, at codon 281 of the PRKCSH protein (p.Arg281Trp). This variant is present in population databases (rs746231889, gnomAD 0.06%), and has an allele count higher than expected for a pathogenic variant. This variant has not been reported in the literature in individuals affected with PRKCSH-related conditions. ClinVar contains an entry for this variant (Variation ID: 1255532). An algorithm developed to predict the effect of missense changes on protein structure and function (PolyPhen-2) suggests that this variant is likely to be disruptive. In summary, the available evidence is currently insufficient to determine the role of this variant in disease. Therefore, it has been classified as a Variant of Uncertain Significance.

Fulgent Genetics
Classification: Uncertain significance for Polycystic liver disease 1. Last evaluated: 2024-03-28. Review status: criteria provided, single submitter. Criteria: ACMG Guidelines, 2015. Collection method: clinical testing. Allele origin: germline.

Clinical Genomics Laboratory, Stanford Medicine
Classification: Uncertain significance for Polycystic liver disease 1. Last evaluated: 2023-09-28. Review status: criteria provided, single submitter. Criteria: ACMG Guidelines, 2015. Collection method: clinical testing. Allele origin: germline. Observed: 1 variant allele, 1 heterozygote.

GeneDx
Classification: Uncertain significance. Last evaluated: 2023-02-17. Review status: criteria provided, single submitter. Criteria: GeneDx Variant Classification Process June 2021. Collection method: clinical testing. Allele origin: germline. Affected: yes.
Comment: Identified in a patient with polycystic liver disease in published literature (van de Laarschot et al., 2020); patient-level information not provided; Reported in one patient and mother with polycystic liver disease in published literature (Peces et a l., 2005); In silico analysis supports that this missense variant has a deleterious effect on protein structure/function; This variant is associated with the following publications: (PMID: 16437702, 33097077)

Laboratory of Gastroenterology and Hepatology, Radboud University Medical Center
Classification: Uncertain significance for Autosomal dominant polycystic liver disease. Last evaluated: 2021-09-01. Review status: no assertion criteria provided. Collection method: research. Allele origin: germline. Affected: yes. Not counted in ClinVar's aggregate classification.